The following is an entry in ClinVar:

ClinVar aggregate classification (germline): Benign. Review status: criteria provided, multiple submitters, no conflicts (2 of 4 stars). 3 submissions from 3 submitters: Benign (2). 1 of the submissions does not count toward it. Last evaluated 2019-12-31.

Conditions:
PPAN-P2RY11-related disorder. Also called: PPAN-P2RY11-related condition.

Allele frequency attached by ClinVar (database versions not stated): gnomAD exomes 0.00031; 1000 Genomes Project 0.00240; 1000 Genomes Project 30x 0.00281; gnomAD 0.00323 and 0.00347; TOPMed 0.00363; ESP Exome Variant Server 0.00392.
gnomAD v4.1: 958 of 1,614,076 alleles (0.059%); highest among the groups gnomAD compares: African/African-American, 1.2%; 9 homozygotes.

Submissions (3):

Labcorp Genetics (formerly Invitae), Labcorp
Classification: Benign. Last evaluated: 2019-12-31. Review status: criteria provided, single submitter. Criteria: Invitae Variant Classification Sherloc (09022015). Collection method: clinical testing. Allele origin: germline.

Breakthrough Genomics
Classification: Benign. Review status: criteria provided, single submitter. Criteria: ACMG Guidelines, 2015. Collection method: not provided. Allele origin: germline. Inheritance: Unknown mechanism. Affected: yes.

PreventionGenetics, part of Exact Sciences
Classification: Likely benign for PPAN-P2RY11-related condition. Last evaluated: 2019-04-01. Review status: no assertion criteria provided. Collection method: clinical testing. Allele origin: germline. Not counted in ClinVar's aggregate classification.
Comment: This variant is classified as likely benign based on ACMG/AMP sequence variant interpretation guidelines (Richards et al. 2015 PMID: 25741868, with internal and published modifications).

NM_002566.5(P2RY11):c.141C>A (p.Gly47=)

Genes: P2RY11 (purinergic receptor P2Y11; plus strand), PPAN-P2RY11 (PPAN-P2RY11 readthrough; plus strand), LOC113939967 (Sharpr-MPRA regulatory region 3609; plus strand). Cytogenetic location: 19p13.2.
Variant type: single nucleotide variant.
Coding change: c.141C>A on transcript NM_002566.5 (MANE Select); coding-DNA position 141, C replaced by A.
Protein change: p.Gly47=; no amino-acid change (glycine 47 retained).
Molecular consequence: synonymous variant. On other transcripts: missense variant (1).
Genome position (GRCh38, 1-based): chr19:10,113,754, C>A. VCF-style: chr19-10113754-C-A. GRCh37 (hg19) VCF-style: chr19-10224430-C-A.
Other names: c.1401C>A, p.Gly467= (NM_001040664.3); c.1463C>A, p.Ala488Asp (NM_001198690.2); short protein forms A488D.
Identifiers: ClinVar variation 777414 (VCV000777414.7), dbSNP rs146352491, ClinGen allele CA9186297.